The following is an entry in ClinVar:

ClinVar aggregate classification (germline): Conflicting classifications of pathogenicity. Review status: criteria provided, conflicting classifications (1 of 4 stars). 2 submissions from 2 submitters: Uncertain significance (1); Likely benign (1). Last evaluated 2024-10-03.

Conditions:
Episodic ataxia type 2 (EA2). Also called: CEREBELLAR ATAXIA, PAROXYSMAL, ACETAZOLAMIDE-RESPONSIVE; CEREBELLOPATHY, HEREDITARY PAROXYSMAL; EPISODIC ATAXIA, NYSTAGMUS-ASSOCIATED; ACETAZOLAMIDE-RESPONSIVE HEREDITARY PAROXYSMAL CEREBELLAR ATAXIA; ATAXIA, EPISODIC, WITH NYSTAGMUS; ATAXIA, FAMILIAL PAROXYSMAL. Identifiers: Orphanet 97, MedGen C1720416, MONDO:0007163, OMIM 108500.
Developmental and epileptic encephalopathy, 42 (DEE42A). Also called: Epileptic encephalopathy, early infantile, 42; DEVELOPMENTAL AND EPILEPTIC ENCEPHALOPATHY 42A; EPILEPTIC ENCEPHALOPATHY, EARLY INFANTILE, 42A. Identifiers: MedGen C4310716, MONDO:0014917, OMIM 617106.

Allele frequency attached by ClinVar (database versions not stated): gnomAD exomes below 0.00001; ExAC 0.00001.
gnomAD v4.1: 5 of 1,613,718 alleles (0.00031%); highest among the groups gnomAD compares: African/African-American, 0.0027%; no homozygotes.

Submissions (2):

GeneDx
Classification: Uncertain significance. Last evaluated: 2024-10-03. Review status: criteria provided, single submitter. Criteria: GeneDx Variant Classification Process June 2021. Collection method: clinical testing. Allele origin: germline. Affected: yes.
Comment: In silico analysis indicates that this missense variant does not alter protein structure/function; Has not been previously published as pathogenic or benign to our knowledge

Labcorp Genetics (formerly Invitae), Labcorp
Classification: Likely benign for Developmental and epileptic encephalopathy, 42; Episodic ataxia type 2. Last evaluated: 2023-02-04. Review status: criteria provided, single submitter. Criteria: Invitae Variant Classification Sherloc (09022015). Collection method: clinical testing. Allele origin: germline.

NM_001127222.2(CACNA1A):c.1708A>G (p.Ile570Val)

Gene: CACNA1A (calcium voltage-gated channel subunit alpha1 A; minus strand). Cytogenetic location: 19p13.13.
Variant type: single nucleotide variant.
Coding change: c.1708A>G on transcript NM_001127222.2 (MANE Select); coding-DNA position 1708, A replaced by G.
Protein change: p.Ile570Val; replaces isoleucine 570 with valine.
Molecular consequence: missense variant.
Genome position (GRCh38, 1-based): chr19:13,308,489, T>C on the plus strand (A>G on the coding strand, the complement: CACNA1A is on the minus strand). VCF-style: chr19-13308489-T-C. GRCh37 (hg19) VCF-style: chr19-13419303-T-C.
Other names: c.1711A>G, p.Ile571Val (NM_000068.4, NM_001127221.2, NM_001174080.2 and 1 more transcripts); short protein forms I570V, I571V.
Identifiers: ClinVar variation 2931032 (VCV002931032.4), dbSNP rs776862279, ClinGen allele CA9240748.